The following is an entry in ClinVar:

NM_152641.4(ARID2):c.1692A>C (p.Ser564=)

Gene: ARID2 (AT-rich interaction domain 2; plus strand). Cytogenetic location: 12q12.
Variant type: single nucleotide variant.
Coding change: c.1692A>C on transcript NM_152641.4 (MANE Select); coding-DNA position 1692, A replaced by C.
Protein change: p.Ser564=; no amino-acid change (serine 564 retained).
Molecular consequence: synonymous variant.
Genome position (GRCh38, 1-based): chr12:45,848,947, A>C. VCF-style: chr12-45848947-A-C. GRCh37 (hg19) VCF-style: chr12-46242730-A-C.
Other names: c.1692A>C, p.Ser564= (NM_001347839.2).
Identifiers: ClinVar variation 746880 (VCV000746880.17), dbSNP rs776411576, ClinGen allele CA6526186.

ClinVar aggregate classification (germline): Benign/Likely benign. Review status: criteria provided, multiple submitters, no conflicts (2 of 4 stars). 2 submissions from 2 submitters: Benign (1); Likely benign (1). Last evaluated 2024-12-01.

Allele frequency attached by ClinVar (database versions not stated): gnomAD below 0.00001 and 0.00001; TOPMed 0.00002; ExAC 0.00014; gnomAD exomes 0.00014.
gnomAD v4.1: 97 of 1,612,038 alleles (0.006%); highest among the groups gnomAD compares: South Asian, 0.1%; no homozygotes.

Submissions (2):

CeGaT Center for Human Genetics Tuebingen
Classification: Likely benign. Last evaluated: 2024-12-01. Review status: criteria provided, single submitter. Criteria: CeGaT Center For Human Genetics Tuebingen Variant Classification Criteria Version 2. Collection method: clinical testing. Allele origin: germline. Affected: yes. Observed: 1 variant allele.
Comment: ARID2: BP4, BP7, BS1

Labcorp Genetics (formerly Invitae), Labcorp
Classification: Benign. Last evaluated: 2019-12-31. Review status: criteria provided, single submitter. Criteria: Invitae Variant Classification Sherloc (09022015). Collection method: clinical testing. Allele origin: germline.